The following is an entry in ClinVar:

ClinVar aggregate classification (germline): Conflicting classifications of pathogenicity. Review status: criteria provided, conflicting classifications (1 of 4 stars). 2 submissions from 2 submitters: Uncertain significance (1); Benign (1). Last evaluated 2023-09-08.

Conditions:
Cutis laxa, X-linked (OHS). Also called: EDS IX; Occipital horn syndrome. Identifiers: Orphanet 198, MedGen C0268353, MONDO:0010572, OMIM 304150.
Menkes kinky-hair syndrome (MNK). Also called: Classic Menkes Disease; Copper transport disease; Menkes Disease. Identifiers: Orphanet 565, MedGen C0022716, MONDO:0010651, OMIM 309400.
X-linked distal spinal muscular atrophy type 3. Also called: SPINAL MUSCULAR ATROPHY, DISTAL, X-LINKED RECESSIVE; ATP7A-Related Distal Motor Neuropathy; NEURONOPATHY, DISTAL HEREDITARY MOTOR, X-LINKED; NEUROPATHY, DISTAL HEREDITARY MOTOR, X-LINKED. Identifiers: Orphanet 139557, MedGen C1845359, MONDO:0010338, OMIM 300489.

Allele frequency attached by ClinVar (database versions not stated): gnomAD exomes 0.00001; TOPMed 0.00001.

Submissions (2):

Labcorp Genetics (formerly Invitae), Labcorp
Classification: Benign for X-linked distal spinal muscular atrophy type 3; Cutis laxa, X-linked; Menkes kinky-hair syndrome. Last evaluated: 2023-09-08. Review status: criteria provided, single submitter. Criteria: Invitae Variant Classification Sherloc (09022015). Collection method: clinical testing. Allele origin: germline.

GeneDx
Classification: Uncertain significance. Last evaluated: 2017-09-22. Review status: criteria provided, single submitter. Criteria: GeneDx Variant Classification (06012015). Collection method: clinical testing. Allele origin: germline. Affected: yes.
Comment: The A48T variant has not been published as a pathogenic variant, nor has it been reported as a benign variant to our knowledge. It is not observed in large population cohorts (Lek et al., 2016). The A48T variant is a non-conservative amino acid substitution that occurs at a position that is conserved across species. However, in silico analysis is inconsistent in its predictions as to whether or not the variant is damaging to the protein structure/function, and missense variants have not been reported in nearby residues in the Human Gene Mutation Database (Stenson et al., 2014). Therefore, based on the currently available information, it is unclear whether this variant is a pathogenic variant or a rare benign variant.

NM_000052.7(ATP7A):c.142G>A (p.Ala48Thr)

Gene: ATP7A (ATPase copper transporting alpha; plus strand). Cytogenetic location: Xq21.1.
Variant type: single nucleotide variant.
Coding change: c.142G>A on transcript NM_000052.7 (MANE Select); coding-DNA position 142, G replaced by A.
Protein change: p.Ala48Thr; replaces alanine 48 with threonine.
Molecular consequence: missense variant.
Genome position (GRCh38, 1-based): chrX:77,988,263, G>A. VCF-style: chrX-77988263-G-A. GRCh37 (hg19) VCF-style: chrX-77243759-G-A.
Other names: c.142G>A, p.Ala48Thr (NM_001282224.2); short protein forms A48T.
Identifiers: ClinVar variation 452221 (VCV000452221.5), dbSNP rs1557231562, ClinGen allele CA413598781.